The following is an entry in ClinVar:

ClinVar aggregate classification (germline): Uncertain significance. Review status: criteria provided, multiple submitters, no conflicts (2 of 4 stars). 2 submissions from 2 submitters: Uncertain significance (2). Last evaluated 2025-03-03.

Conditions:
Arrhythmogenic right ventricular dysplasia 12. Also called: ARRHYTHMOGENIC RIGHT VENTRICULAR DYSPLASIA, FAMILIAL, 12. Identifiers: MedGen C1969081, MONDO:0012684, OMIM 611528.
Naxos disease (NXD). Also called: KERATOSIS PALMOPLANTARIS WITH ARRHYTHMOGENIC CARDIOMYOPATHY; MAL DE NAXOS; PALMOPLANTAR KERATODERMA WITH ARRHYTHMOGENIC RIGHT VENTRICULAR CARDIOMYOPATHY AND WOOLLY HAIR; WOOLLY HAIR, PALMOPLANTAR KERATODERMA, AND CARDIAC ABNORMALITIES; CARDIOMYOPATHY, ARRHYTHMOGENIC RIGHT VENTRICULAR, WITH SKIN, HAIR, AND NAIL ABNORMALITIES. Identifiers: Orphanet 34217, MedGen C1832600, MONDO:0011017, OMIM 601214.

Allele frequency attached by ClinVar (database versions not stated): gnomAD below 0.00001 and 0.00002.
gnomAD v4.1: 11 of 1,613,246 alleles (0.00068%); highest among the groups gnomAD compares: South Asian, 0.0044%; no homozygotes.

Submissions (2):

Labcorp Genetics (formerly Invitae), Labcorp
Classification: Uncertain significance for Arrhythmogenic right ventricular dysplasia 12; Naxos disease. Last evaluated: 2025-03-03. Review status: criteria provided, single submitter. Criteria: Invitae Variant Classification Sherloc (09022015). Collection method: clinical testing. Allele origin: germline.
Comment: This sequence change replaces valine, which is neutral and non-polar, with leucine, which is neutral and non-polar, at codon 65 of the JUP protein (p.Val65Leu). This variant is not present in population databases (gnomAD no frequency). This variant has not been reported in the literature in individuals affected with JUP-related conditions. ClinVar contains an entry for this variant (Variation ID: 163727). An algorithm developed to predict the effect of missense changes on protein structure and function (PolyPhen-2) suggests that this variant is likely to be tolerated. In summary, the available evidence is currently insufficient to determine the role of this variant in disease. Therefore, it has been classified as a Variant of Uncertain Significance.

Laboratory for Molecular Medicine, Mass General Brigham Personalized Medicine
Classification: Uncertain significance. Last evaluated: 2013-12-12. Review status: criteria provided, single submitter. Criteria: LMM Criteria. Collection method: clinical testing. Allele origin: germline. Observed: 1 variant allele.
Comment: The Val65Leu variant in JUP has not been previously reported in individuals with cardiomyopathy or in large population studies. Computational analyses (biochemi cal amino acid properties, conservation, AlignGVGD, PolyPhen2, and SIFT) suggest that this variant may not impact the protein, though this information is not pr edictive enough to rule out pathogenicity. Additional information is needed to f ully assess the clinical significance of this variant.

NM_002230.4(JUP):c.193G>T (p.Val65Leu)

Gene: JUP (junction plakoglobin; minus strand). Cytogenetic location: 17q21.2.
Variant type: single nucleotide variant.
Coding change: c.193G>T on transcript NM_002230.4 (MANE Select); coding-DNA position 193, G replaced by T.
Protein change: p.Val65Leu; replaces valine 65 with leucine.
Molecular consequence: missense variant.
Genome position (GRCh38, 1-based): chr17:41,771,662, C>A on the plus strand (G>T on the coding strand, the complement: JUP is on the minus strand). VCF-style: chr17-41771662-C-A. GRCh37 (hg19) VCF-style: chr17-39927914-C-A.
Other names: c.193G>T, p.Val65Leu (NM_001352773.2, NM_001352774.2, NM_001352775.2 and 3 more transcripts); short protein forms V65L.
Identifiers: ClinVar variation 163727 (VCV000163727.8), dbSNP rs727503100, ClinGen allele CA176414.